The following is an entry in ClinVar:

NM_001184880.2(PCDH19):c.1183C>T (p.Arg395Ter)

Gene: PCDH19 (protocadherin 19; minus strand). Cytogenetic location: Xq22.1.
Variant type: single nucleotide variant.
Coding change: c.1183C>T on transcript NM_001184880.2 (MANE Select); coding-DNA position 1183, C replaced by T.
Protein change: p.Arg395Ter; replaces arginine 395 with a stop codon.
Molecular consequence: nonsense.
Genome position (GRCh38, 1-based): chrX:100,407,415, G>A on the plus strand (C>T on the coding strand, the complement: PCDH19 is on the minus strand). VCF-style: chrX-100407415-G-A. GRCh37 (hg19) VCF-style: chrX-99662413-G-A.
Other names: c.1183C>T, p.Arg395Ter (NM_001105243.2, NM_020766.3); short protein forms R395*.
Identifiers: ClinVar variation 533856 (VCV000533856.52), dbSNP rs769967221, ClinGen allele CA10468912.

ClinVar aggregate classification (germline): Pathogenic. Review status: criteria provided, multiple submitters, no conflicts (2 of 4 stars). 5 submissions from 5 submitters: Pathogenic (5). Last evaluated 2025-08-27.

Conditions:
Developmental and epileptic encephalopathy, 9 (DEE9). Also called: Early infantile epileptic encephalopathy 9; JUBERG-HELLMAN SYNDROME; PCDH19-Related X-Linked Female-Limited Epilepsy with Mental Retardation; EPILEPSY, FEMALE-RESTRICTED, WITH MENTAL RETARDATION. Identifiers: Orphanet 101039, Orphanet 2076, MedGen C1848137, MONDO:0010246, OMIM 300088. Disease mechanism: loss of function.
Inborn genetic diseases. Identifiers: MedGen C0950123, MeSH D030342.

Allele frequency attached by ClinVar (database versions not stated): ExAC 0.00001.

Submissions (5):

Ambry Genetics
Classification: Pathogenic for Inborn genetic diseases. Last evaluated: 2025-08-27. Review status: criteria provided, single submitter. Criteria: Ambry Variant Classification Scheme 2023. Collection method: clinical testing. Allele origin: germline.
Comment: The c.1183C>T (p.R395*) alteration, located in exon 1 (coding exon 1) of the PCDH19 gene, consists of a C to T substitution at nucleotide position 1183. This changes the amino acid from a arginine (R) to a stop codon at amino acid position 395. This alteration is expected to result in loss of function by premature protein truncation or nonsense-mediated mRNA decay. This variant was not reported in population-based cohorts in the Genome Aggregation Database (gnomAD). This variant was reported in individual(s) with features consistent with PCDH19-related developmental and epileptic encephalopathy; in at least one individual, it was determined to be de novo (Marini, 2012). Based on the available evidence, this alteration is classified as pathogenic.

GeneDx
Classification: Pathogenic. Last evaluated: 2024-06-24. Review status: criteria provided, single submitter. Criteria: GeneDx Variant Classification Process June 2021. Collection method: clinical testing. Allele origin: germline. Affected: yes.
Comment: Nonsense variant predicted to result in protein truncation or nonsense mediated decay in a gene for which loss of function is a known mechanism of disease; Not observed at significant frequency in large population cohorts (gnomAD); This variant is associated with the following publications: (PMID: 21053371, 31440721, 34145886, 22946748, 30451291)

Institute of Human Genetics, University of Leipzig Medical Center
Classification: Pathogenic for Developmental and epileptic encephalopathy, 9. Last evaluated: 2022-12-16. Review status: criteria provided, single submitter. Criteria: ACMG Guidelines, 2015. Collection method: clinical testing. Allele origin: unknown. Inheritance: Autosomal dominant inheritance. Affected: yes.

Labcorp Genetics (formerly Invitae), Labcorp
Classification: Pathogenic for Developmental and epileptic encephalopathy, 9. Last evaluated: 2022-12-06. Review status: criteria provided, single submitter. Criteria: Invitae Variant Classification Sherloc (09022015). Collection method: clinical testing. Allele origin: germline.
Comment: ClinVar contains an entry for this variant (Variation ID: 533856). For these reasons, this variant has been classified as Pathogenic. This sequence change creates a premature translational stop signal (p.Arg395*) in the PCDH19 gene. It is expected to result in an absent or disrupted protein product. Loss-of-function variants in PCDH19 are known to be pathogenic (PMID: 21053371). This variant is not present in population databases (gnomAD no frequency). This premature translational stop signal has been observed in individual(s) with clinical features of epilepsy (PMID: 22946748).

CeGaT Center for Human Genetics Tuebingen
Classification: Pathogenic. Last evaluated: 2020-06-01. Review status: criteria provided, single submitter. Criteria: CeGaT Center For Human Genetics Tuebingen Variant Classification Criteria Version 2. Collection method: clinical testing. Allele origin: germline. Affected: yes. Observed: 6 variant alleles.

Literature cited by the submitters: PubMed 22946748 (cited by Ambry Genetics and Labcorp Genetics (formerly Invitae), Labcorp); PubMed 21053371 (cited by Labcorp Genetics (formerly Invitae), Labcorp).